The following is an entry in ClinVar:

NM_002016.2(FLG):c.2147C>A (p.Ser716Ter)

Genes: CCDST (cervical cancer associated DHX9 suppressive transcript; plus strand), FLG (filaggrin; minus strand). Cytogenetic location: 1q21.3.
Variant type: single nucleotide variant.
Coding change: c.2147C>A on transcript NM_002016.2 (MANE Select); coding-DNA position 2147, C replaced by A.
Protein change: p.Ser716Ter; replaces serine 716 with a stop codon.
Molecular consequence: nonsense.
Genome position (GRCh38, 1-based): chr1:152,312,739, G>T on the plus strand (C>A on the coding strand, the complement: FLG is on the minus strand). VCF-style: chr1-152312739-G-T. GRCh37 (hg19) VCF-style: chr1-152285215-G-T.
Other names: short protein forms S716*.
Identifiers: ClinVar variation 4986812 (VCV004986812.1).

ClinVar aggregate classification (germline): Likely pathogenic (1 of 4 stars; one submission).

Conditions:
FLG-related disorder. Also called: FLG-related disorders; FLG-related condition.

gnomAD v4.1: 5 of 1,614,016 alleles (0.00031%); highest among the groups gnomAD compares: Non-Finnish European, 0.00042%; no homozygotes.

Submission:

PreventionGenetics, part of Exact Sciences
Classification: Likely pathogenic for FLG-related condition. Last evaluated: 2025-12-01. Review status: criteria provided, single submitter. Criteria: ACMG Guidelines, 2015. Collection method: clinical testing. Allele origin: germline.
Comment: The FLG c.2147C>A variant is predicted to result in premature protein termination (p.Ser716*). To our knowledge, this variant has not been reported in the literature or in a large population database (gnomAD), indicating this variant is rare. Nonsense variants in FLG are expected to be pathogenic. This variant is interpreted as likely pathogenic.